The following is an entry in ClinVar:

ClinVar aggregate classification (germline): Uncertain significance (1 of 4 stars; one submission).

gnomAD v4.1: 8 of 1,562,266 alleles (0.00051%); highest among the groups gnomAD compares: East Asian, 0.0024%; no homozygotes.

Submission:

GeneDx
Classification: Uncertain significance. Last evaluated: 2024-09-12. Review status: criteria provided, single submitter. Criteria: GeneDx Variant Classification Process June 2021. Collection method: clinical testing. Allele origin: germline. Affected: yes.
Comment: Has not been previously published as pathogenic or benign to our knowledge; Not observed at significant frequency in large population cohorts (gnomAD); In silico analysis supports that this missense variant has a deleterious effect on protein structure/function.

NM_000540.3(RYR1):c.4778G>A (p.Arg1593Gln)

Gene: RYR1 (ryanodine receptor 1; plus strand). Cytogenetic location: 19q13.2.
Variant type: single nucleotide variant.
Coding change: c.4778G>A on transcript NM_000540.3 (MANE Select); coding-DNA position 4778, G replaced by A.
Protein change: p.Arg1593Gln; replaces arginine 1593 with glutamine.
Molecular consequence: missense variant.
Genome position (GRCh38, 1-based): chr19:38,483,360, G>A. VCF-style: chr19-38483360-G-A. GRCh37 (hg19) VCF-style: chr19-38974000-G-A.
Other names: c.4778G>A, p.Arg1593Gln (NM_001042723.2); short protein forms R1593Q.
Identifiers: ClinVar variation 3769918 (VCV003769918.1).